The following is an entry in ClinVar:

NM_000179.3(MSH6):c.2475_2478del (p.His826fs)

Gene: MSH6 (mutS homolog 6; plus strand). Cytogenetic location: 2p16.3.
Variant type: Deletion.
Coding change: c.2475_2478del on transcript NM_000179.3 (MANE Select); coding-DNA positions 2475 to 2478, 4 bases deleted (TCAT; older notation c.2475_2478delTCAT).
Protein change: p.His826fs; shifts the reading frame from histidine 826.
Molecular consequence: frameshift variant.
Genome position (GRCh38, 1-based): chr2:47,800,458-47,800,461, TCAT deleted; deleting any 4 consecutive bases within chr2:47,800,456-47,800,461 gives the same sequence; the c. name uses the placement nearest the transcript's 3' end. VCF-style (leftmost placement, unchanged base first): chr2-47800455-AATTC-A. GRCh37 (hg19) VCF-style: chr2-48027594-AATTC-A.
Other names: c.2085_2088del, p.His696fs (NM_001281492.2); c.1569_1572del, p.His524fs (NM_001281493.2, NM_001281494.2); c.2571_2574delTCAT, p.His858Metfs (NM_001406795.1, NM_001406802.1); c.2475_2478delTCAT, p.His826Metfs (NM_001406796.1, NM_001406798.1, NM_001406800.1 and 2 more transcripts); c.2178_2181delTCAT, p.His727Metfs (NM_001406797.1, NM_001406801.1, NM_001406805.1 and 10 more transcripts); c.1950_1953delTCAT, p.His651Metfs (NM_001406799.1, NM_001406806.1, NM_001406807.1); c.2397_2400delTCAT, p.His800Metfs (NM_001406804.1); c.1569_1572delTCAT, p.His524Metfs (NM_001406811.1, NM_001406812.1, NM_001406814.1 and 4 more transcripts); and 2 more; short protein forms H524fs, H696fs, H826fs.
Identifiers: ClinVar variation 1791823 (VCV001791823.3), dbSNP rs2530674610, ClinGen allele CA2580067921.

ClinVar aggregate classification (germline): Pathogenic. Review status: criteria provided, multiple submitters, no conflicts (2 of 4 stars). 2 submissions from 2 submitters: Pathogenic (2). Last evaluated 2025-10-12.

Conditions:
Hereditary cancer-predisposing syndrome. Also called: Hereditary Cancer Syndrome; Hereditary neoplastic syndrome; Tumor predisposition; Neoplastic Syndromes, Hereditary. Identifiers: Orphanet 140162, MedGen C0027672, MeSH D009386, MONDO:0015356.
Hereditary nonpolyposis colorectal neoplasms. Identifiers: MedGen C0009405, MeSH D003123.

Submissions (2):

Labcorp Genetics (formerly Invitae), Labcorp
Classification: Pathogenic for Hereditary nonpolyposis colorectal neoplasms. Last evaluated: 2025-10-12. Review status: criteria provided, single submitter. Criteria: Invitae Variant Classification Sherloc (09022015). Collection method: clinical testing. Allele origin: germline.
Comment: This sequence change creates a premature translational stop signal (p.His826Metfs*6) in the MSH6 gene. It is expected to result in an absent or disrupted protein product. Loss-of-function variants in MSH6 are known to be pathogenic (PMID: 18269114, 24362816). This variant is not present in population databases (gnomAD no frequency). This variant has not been reported in the literature in individuals affected with MSH6-related conditions. ClinVar contains an entry for this variant (Variation ID: 1791823). For these reasons, this variant has been classified as Pathogenic.

Ambry Genetics
Classification: Pathogenic for Hereditary cancer-predisposing syndrome. Last evaluated: 2019-06-03. Review status: criteria provided, single submitter. Criteria: Ambry Variant Classification Scheme 2023. Collection method: clinical testing. Allele origin: germline.
Comment: The c.2475_2478delTCAT pathogenic mutation, located in coding exon 4 of the MSH6 gene, results from a deletion of 4 nucleotides at nucleotide positions 2475 to 2478, causing a translational frameshift with a predicted alternate stop codon (p.H826Mfs*6). This alteration is expected to result in loss of function by premature protein truncation or nonsense-mediated mRNA decay. As such, this alteration is interpreted as a disease-causing mutation.

Literature cited by the submitters: PubMed 18269114 (cited by Labcorp Genetics (formerly Invitae), Labcorp); PubMed 24362816 (cited by Labcorp Genetics (formerly Invitae), Labcorp).